The following is an entry in ClinVar:

NM_000038.6(APC):c.1861dup (p.Thr621fs)

Gene: APC (APC regulator of Wnt signaling pathway; plus strand). Cytogenetic location: 5q22.2.
Variant type: Duplication.
Coding change: c.1861dup on transcript NM_000038.6 (MANE Select); coding-DNA position 1861, one base duplicated (A; older notation c.1861dupA).
Protein change: p.Thr621fs; shifts the reading frame from threonine 621.
Molecular consequence: frameshift variant.
Genome position (GRCh38, 1-based): chr5:112,835,068, A duplicated. VCF-style (leftmost placement, unchanged base first): chr5-112835067-T-TA. GRCh37 (hg19) VCF-style: chr5-112170764-T-TA.
Other names: c.1861dupA (NM_000038.5); c.1861dup, p.Thr621fs (NM_001127510.3, NM_001354895.2); c.1807dup, p.Thr603fs (NM_001127511.3); c.1915dup, p.Thr639fs (NM_001354896.2); c.1891dup, p.Thr631fs (NM_001354897.2); c.1786dup, p.Thr596fs (NM_001354898.2); c.1777dup, p.Thr593fs (NM_001354899.2); c.1738dup, p.Thr580fs (NM_001354900.2); and 6 more; short protein forms T639fs, T461fs, T596fs, T338fs, T520fs, T530fs, T593fs, T603fs.
Identifiers: ClinVar variation 660427 (VCV000660427.18), dbSNP rs1580604238, ClinGen allele CA658760596.

ClinVar aggregate classification (germline): Pathogenic. Review status: criteria provided, multiple submitters, no conflicts (2 of 4 stars). 4 submissions from 4 submitters: Pathogenic (4). Last evaluated 2024-03-05.

Conditions:
Hereditary cancer-predisposing syndrome. Also called: Hereditary neoplastic syndrome; Neoplastic Syndromes, Hereditary; Hereditary Cancer Syndrome; Tumor predisposition. Identifiers: Orphanet 140162, MedGen C0027672, MeSH D009386, MONDO:0015356.
Familial adenomatous polyposis 1 (FAP1). Also called: POLYPOSIS, ADENOMATOUS INTESTINAL; FAMILIAL ADENOMATOUS POLYPOSIS 1, ATTENUATED. Identifiers: MedGen C2713442, MONDO:0021056, OMIM 175100. Disease mechanism: loss of function.

Submissions (4):

Labcorp Genetics (formerly Invitae), Labcorp
Classification: Pathogenic for Familial adenomatous polyposis 1. Last evaluated: 2024-03-05. Review status: criteria provided, single submitter. Criteria: Invitae Variant Classification Sherloc (09022015). Collection method: clinical testing. Allele origin: germline.
Comment: This sequence change creates a premature translational stop signal (p.Thr621Asnfs*13) in the APC gene. It is expected to result in an absent or disrupted protein product. Loss-of-function variants in APC are known to be pathogenic (PMID: 17963004, 20685668). This variant is not present in population databases (gnomAD no frequency). This premature translational stop signal has been observed in individual(s) with familial adenomatous polyposis (FAP) (PMID: 8162022, 8910893, 16134147). ClinVar contains an entry for this variant (Variation ID: 660427). For these reasons, this variant has been classified as Pathogenic.

Myriad Genetics, Inc.
Classification: Pathogenic for Familial adenomatous polyposis 1. Last evaluated: 2023-05-03. Review status: criteria provided, single submitter. Criteria: Myriad Autosomal Dominant, Autosomal Recessive and X-Linked Classification Criteria (2023). Collection method: clinical testing. Allele origin: unknown.
Comment: This variant is considered pathogenic. This variant creates a frameshift predicted to result in premature protein truncation.

Ambry Genetics
Classification: Pathogenic for Hereditary cancer-predisposing syndrome. Last evaluated: 2022-12-15. Review status: criteria provided, single submitter. Criteria: Ambry Variant Classification Scheme 2023. Collection method: clinical testing. Allele origin: germline.
Comment: The c.1861dupA pathogenic mutation, located in coding exon 14 of the APC gene, results from a duplication of A at nucleotide position 1861, causing a translational frameshift with a predicted alternate stop codon (p.T621Nfs*13). Of note, this alteration is also designated as APC c.1861_1862insA and c.1860_1861insA in the published literature. This variant is considered to be rare based on population cohorts in the Genome Aggregation Database (gnomAD). In addition to the clinical data presented in the literature, this alteration is expected to result in loss of function by premature protein truncation or nonsense-mediated mRNA decay. As such, this alteration is interpreted as a disease-causing mutation.

Quest Diagnostics Nichols Institute San Juan Capistrano
Classification: Pathogenic. Last evaluated: 2018-10-26. Review status: criteria provided, single submitter. Criteria: Quest Diagnostics criteria. Collection method: clinical testing. Allele origin: germline.
Comment: The variant results in a shift of the reading frame, and is therefore predicted to significantly disrupt the protein structure. Found in at least one symptomatic patient, and not found in general population data.

Literature cited by the submitters: PubMed 17963004 (cited by Labcorp Genetics (formerly Invitae), Labcorp); PubMed 20685668 (cited by Labcorp Genetics (formerly Invitae), Labcorp); PubMed 8162022 (cited by Labcorp Genetics (formerly Invitae), Labcorp and Quest Diagnostics Nichols Institute San Juan Capistrano); PubMed 8910893 (cited by Labcorp Genetics (formerly Invitae), Labcorp); PubMed 16134147 (cited by 3 submitters); PubMed 28533537 (cited by Ambry Genetics); PubMed 29122597 (cited by Ambry Genetics).